The following is an entry in ClinVar:

NM_001167.4(XIAP):c.*2729C>G

Gene: XIAP (X-linked inhibitor of apoptosis; plus strand). Cytogenetic location: Xq25.
Variant type: single nucleotide variant.
Coding change: c.*2729C>G on transcript NM_001167.4 (MANE Select); 2729 bases downstream of the stop codon, C replaced by G.
Molecular consequence: 3 prime UTR variant. On other transcripts: non-coding transcript variant (2).
Genome position (GRCh38, 1-based): chrX:123,909,910, C>G. VCF-style: chrX-123909910-C-G. GRCh37 (hg19) VCF-style: chrX-123043760-C-G.
Other names: c.*2729C>G (NM_001204401.2, NM_001378590.1, NM_001378591.1 and 1 more transcripts).
Identifiers: ClinVar variation 367815 (VCV000367815.5), dbSNP rs745491539, ClinGen allele CA10508287.

ClinVar aggregate classification (germline): Benign (1 of 4 stars; one submission).

Conditions:
X-linked lymphoproliferative disease due to XIAP deficiency. Also called: XIAP DEFICIENCY; XIAP-Related Lymphoproliferative Disease, X-Linked. Identifiers: Orphanet 2442, Orphanet 538934, MedGen C1845076, MONDO:0010385, OMIM 300635.

Allele frequency attached by ClinVar (database versions not stated): gnomAD 0.00068 and 0.00080; TOPMed 0.00073; 1000 Genomes Project 0.00079; 1000 Genomes Project 30x 0.00083; gnomAD exomes 0.00201 and 0.00229; ExAC 0.00725.
gnomAD v4.1: 516 of 327,982 alleles (0.16%); highest among the groups gnomAD compares: Middle Eastern, 0.58%; 3 homozygotes.

Submission:

Illumina Laboratory Services, Illumina
Classification: Benign for X-linked lymphoproliferative disease due to XIAP deficiency. Last evaluated: 2018-01-12. Review status: criteria provided, single submitter. Criteria: ICSL Variant Classification Criteria 13 December 2019. Collection method: clinical testing. Allele origin: germline.
Comment: This variant was observed in the ICSL laboratory as part of a predisposition screen in an ostensibly healthy population. It had not been previously curated by ICSL or reported in the Human Gene Mutation Database (HGMD: prior to June 1st, 2018), and was therefore a candidate for classification through an automated scoring system. Utilizing variant allele frequency, disease prevalence and penetrance estimates, and inheritance mode, an automated score was calculated to assess if this variant is too frequent to cause the disease. Based on the score and internal cut-off values, a variant classified as benign is not then subjected to further curation. The score for this variant resulted in a classification of benign for this disease.